The following is an entry in ClinVar:

ClinVar aggregate classification (germline): Pathogenic (1 of 4 stars; one submission).

Conditions:
Werner syndrome (WRN). Identifiers: Orphanet 902, MedGen C0043119, MONDO:0010196, OMIM 277700.

Submission:

Labcorp Genetics (formerly Invitae), Labcorp
Classification: Pathogenic for Werner syndrome. Last evaluated: 2023-01-08. Review status: criteria provided, single submitter. Criteria: Invitae Variant Classification Sherloc (09022015). Collection method: clinical testing. Allele origin: germline.
Comment: For these reasons, this variant has been classified as Pathogenic. Algorithms developed to predict the effect of sequence changes on RNA splicing suggest that this variant may disrupt the consensus splice site. This variant has not been reported in the literature in individuals affected with WRN-related conditions. This variant is not present in population databases (gnomAD no frequency). This sequence change creates a premature translational stop signal (p.Asp441Metfs*4) in the WRN gene. It is expected to result in an absent or disrupted protein product. Loss-of-function variants in WRN are known to be pathogenic (PMID: 16673358).

Literature cited by the submitters: PubMed 16673358.

NM_000553.6(WRN):c.1321del (p.Asp441fs)

Gene: WRN (WRN RecQ like helicase; plus strand). Cytogenetic location: 8p12.
Variant type: Deletion.
Coding change: c.1321del on transcript NM_000553.6 (MANE Select); coding-DNA position 1321, one base deleted (G; older notation c.1321delG).
Protein change: p.Asp441fs; shifts the reading frame from aspartic acid 441.
Molecular consequence: frameshift variant.
Genome position (GRCh38, 1-based): chr8:31,083,750, G deleted. VCF-style (leftmost placement, unchanged base first): chr8-31083749-TG-T. GRCh37 (hg19) VCF-style: chr8-30941265-TG-T.
Other names: short protein forms D441fs.
Identifiers: ClinVar variation 2827100 (VCV002827100.3), dbSNP rs2535916919, ClinGen allele CA2739279519.